The following is an entry in ClinVar:

ClinVar aggregate classification (germline): Pathogenic (1 of 4 stars; one submission).

Submission:

Labcorp Genetics (formerly Invitae), Labcorp
Classification: Pathogenic. Last evaluated: 2021-05-03. Review status: criteria provided, single submitter. Criteria: Invitae Variant Classification Sherloc (09022015). Collection method: clinical testing. Allele origin: germline.
Comment: For these reasons, this variant has been classified as Pathogenic. This variant has not been reported in the literature in individuals with MYSM1-related conditions. This variant is not present in population databases (ExAC no frequency). This sequence change creates a premature translational stop signal (p.Arg139*) in the MYSM1 gene. It is expected to result in an absent or disrupted protein product. Loss-of-function variants in MYSM1 are known to be pathogenic (PMID: 24288411, 28115216).

Literature cited by the submitters: PubMed 24288411; PubMed 28115216.

NM_001085487.3(MYSM1):c.415A>T (p.Arg139Ter)

Gene: MYSM1 (Myb like, SWIRM and MPN domains 1; minus strand). Cytogenetic location: 1p32.1.
Variant type: single nucleotide variant.
Coding change: c.415A>T on transcript NM_001085487.3 (MANE Select); coding-DNA position 415, A replaced by T.
Protein change: p.Arg139Ter; replaces arginine 139 with a stop codon.
Molecular consequence: nonsense.
Genome position (GRCh38, 1-based): chr1:58,685,236, T>A on the plus strand (A>T on the coding strand, the complement: MYSM1 is on the minus strand). VCF-style: chr1-58685236-T-A. GRCh37 (hg19) VCF-style: chr1-59150908-T-A.
Other names: short protein forms R139*.
Identifiers: ClinVar variation 1394541 (VCV001394541.6), dbSNP rs2100658808, ClinGen allele CA340532010.
Genomic context (GRCh38, chr1:58,685,236, plus strand): 5'-CATAACTCTTCACTTGTAAAACAGTGCGGCTTCCAATTAGCTTTGAAATTTTGGTCCATC[T>A]TCGGCCAAATTTAGCCTGTATTATTAAAATGGGAAAAAAAATTGCTTTTGATGAATTTAC-3'